The following is an entry in ClinVar:

ClinVar aggregate classification (germline): Benign (1 of 4 stars; one submission).

Allele frequency attached by ClinVar (database versions not stated): 1000 Genomes Project 0.00100; 1000 Genomes Project 30x 0.00109; gnomAD 0.00135; TOPMed 0.00145; gnomAD exomes 0.00149.
gnomAD v4.1: 586 of 398,932 alleles (0.15%); highest among the groups gnomAD compares: Non-Finnish European, 0.21%; 1 homozygote.

Submission:

CeGaT Center for Human Genetics Tuebingen
Classification: Benign. Last evaluated: 2026-07-01. Review status: criteria provided, single submitter. Criteria: CeGaT Center For Human Genetics Tuebingen Variant Classification Criteria Version 2. Collection method: clinical testing. Allele origin: germline. Affected: yes. Observed: 8 variant alleles.
Comment: KCNQ1OT1: BS1, BS2

NM_000218.3(KCNQ1):c.1514+28024G>A

Genes: KCNQ1 (potassium voltage-gated channel subfamily Q member 1; plus strand), KCNQ1OT1 (KCNQ1 opposite strand/antisense transcript 1; minus strand). Cytogenetic location: 11p15.5.
Variant type: single nucleotide variant.
Coding change: c.1514+28024G>A on transcript NM_000218.3 (MANE Select); 28024 bases into the intron after coding-DNA position 1514, G replaced by A.
Molecular consequence: intron variant. On other transcripts: non-coding transcript variant (1).
Genome position (GRCh38, 1-based): chr11:2,690,105, G>A. VCF-style: chr11-2690105-G-A. GRCh37 (hg19) VCF-style: chr11-2711335-G-A.
Other names: c.1244+28024G>A (NM_001406837.1); c.1418+28024G>A (NM_001406836.1); c.974+28024G>A (NM_001406838.1); c.1133+28024G>A (NM_181798.2).
Identifiers: ClinVar variation 2641487 (VCV002641487.24), dbSNP rs553906406, ClinGen allele CA216191780.
Genomic context (GRCh38, chr11:2,690,105, plus strand): 5'-TCCCCTCTCCTAGCCTGCTTCTGTCTGGGCTGAAGGCACAGCAGGGACAATCGCTCTTCC[G>A]GGGTTAGAACTGGGGGAGCAGGGACAAAAAGCGGGCAGCCCTCCCCAGCATGACAGGATG-3'